The following is an entry in ClinVar:

NM_000059.4(BRCA2):c.8996T>C (p.Leu2999Pro)

Gene: BRCA2 (BRCA2 DNA repair associated; plus strand). Cytogenetic location: 13q13.1.
Variant type: single nucleotide variant.
Coding change: c.8996T>C on transcript NM_000059.4 (MANE Select); coding-DNA position 8996, T replaced by C.
Protein change: p.Leu2999Pro; replaces leucine 2999 with proline.
Molecular consequence: missense variant.
Genome position (GRCh38, 1-based): chr13:32,379,792, T>C. VCF-style: chr13-32379792-T-C. GRCh37 (hg19) VCF-style: chr13-32953929-T-C.
Other names: short protein forms L2999P.
Identifiers: ClinVar variation 233542 (VCV000233542.18), dbSNP rs876660476, ClinGen allele CA10579807.

ClinVar aggregate classification (germline): Uncertain significance. Review status: criteria provided, multiple submitters, no conflicts (2 of 4 stars). 4 submissions from 4 submitters: Uncertain significance (4). Last evaluated 2024-03-25.

Conditions:
Hereditary cancer-predisposing syndrome. Also called: Tumor predisposition; Hereditary Cancer Syndrome; Hereditary neoplastic syndrome; Neoplastic Syndromes, Hereditary. Identifiers: Orphanet 140162, MedGen C0027672, MeSH D009386, MONDO:0015356.
Hereditary breast ovarian cancer syndrome. Also called: Hereditary breast and ovarian cancer; Breast and ovarian cancer; BRCA1- and BRCA2-Associated Hereditary Breast and Ovarian Cancer; Hereditary breast and ovarian cancer syndrome; Hereditary breast and ovarian cancer syndrome (HBOC); Hereditary breast and/or ovarian cancer syndrome. Identifiers: Orphanet 145, MedGen C0677776, MeSH D061325, MONDO:0003582. Disease mechanism: loss of function.
Breast-ovarian cancer, familial, susceptibility to, 2 (BROVCA2). Also called: BRCA2 Hereditary Breast and Ovarian Cancer. Identifiers: Orphanet 145, MedGen C2675520, MONDO:0012933, OMIM 612555. Disease mechanism: loss of function.

Submissions (4):

Ambry Genetics
Classification: Uncertain significance for Hereditary cancer-predisposing syndrome. Last evaluated: 2024-03-25. Review status: criteria provided, single submitter. Criteria: Ambry Variant Classification Scheme 2023. Collection method: clinical testing. Allele origin: germline.
Comment: The p.L2999P variant (also known as c.8996T>C), located in coding exon 22 of the BRCA2 gene, results from a T to C substitution at nucleotide position 8996. The leucine at codon 2999 is replaced by proline, an amino acid with similar properties. This amino acid position is well conserved in available vertebrate species. In addition, this alteration is predicted to be deleterious by in silico analysis. Based on the available evidence, the clinical significance of this alteration remains unclear.

All of Us Research Program, National Institutes of Health
Classification: Uncertain significance for Breast-ovarian cancer, familial, susceptibility to, 2. Last evaluated: 2023-11-20. Review status: criteria provided, single submitter. Criteria: ACMG Guidelines, 2015. Collection method: clinical testing. Allele origin: germline. Inheritance: Autosomal dominant inheritance. Observed: 2 variant alleles, 2 heterozygotes.
Comment: This missense variant replaces leucine with proline at codon 2999 of the BRCA2 protein. Computational prediction is inconclusive regarding the impact of this variant on protein structure and function (internally defined REVEL score threshold 0.5 < inconclusive < 0.7, PMID: 27666373). To our knowledge, functional studies have not been reported for this variant. This variant has not been reported in individuals affected with BRCA2-related disorders in the literature. This variant has not been identified in the general population by the Genome Aggregation Database (gnomAD). The available evidence is insufficient to determine the role of this variant in disease conclusively. Therefore, this variant is classified as a Variant of Uncertain Significance.

This study involves interpretation of variants in research participants for the purpose of population health screening. Participant phenotype was not available at the time of variant classification. Additional details can be found in publication PMID: 35346344, PMCID: PMC8962531

Labcorp Genetics (formerly Invitae), Labcorp
Classification: Uncertain significance for Hereditary breast ovarian cancer syndrome. Last evaluated: 2023-06-04. Review status: criteria provided, single submitter. Criteria: Invitae Variant Classification Sherloc (09022015). Collection method: clinical testing. Allele origin: germline.
Comment: This sequence change replaces leucine, which is neutral and non-polar, with proline, which is neutral and non-polar, at codon 2999 of the BRCA2 protein (p.Leu2999Pro). This variant is not present in population databases (gnomAD no frequency). This variant has not been reported in the literature in individuals affected with BRCA2-related conditions. ClinVar contains an entry for this variant (Variation ID: 233542). Advanced modeling of protein sequence and biophysical properties (such as structural, functional, and spatial information, amino acid conservation, physicochemical variation, residue mobility, and thermodynamic stability) performed at Invitae indicates that this missense variant is not expected to disrupt BRCA2 protein function. RNA analysis performed to evaluate the impact of this missense change on mRNA splicing indicates it does not significantly alter splicing (Invitae). In summary, the available evidence is currently insufficient to determine the role of this variant in disease. Therefore, it has been classified as a Variant of Uncertain Significance.

Quest Diagnostics Nichols Institute San Juan Capistrano
Classification: Uncertain significance. Last evaluated: 2020-11-13. Review status: criteria provided, single submitter. Criteria: Quest Diagnostics criteria. Collection method: clinical testing. Allele origin: unknown.